The following is an entry in ClinVar:

ClinVar aggregate classification (germline): Pathogenic. Review status: criteria provided, multiple submitters, no conflicts (2 of 4 stars). 3 submissions from 3 submitters: Pathogenic (3). Last evaluated 2025-11-26.

Conditions:
Arrhythmogenic right ventricular dysplasia 9 (ARVD9). Also called: ARRHYTHMOGENIC RIGHT VENTRICULAR DYSPLASIA, FAMILIAL, 9; Arrhythmogenic Right Ventricular Dysplasia/Cardiomyopathy 9. Identifiers: MedGen C1836906, MONDO:0012180, OMIM 609040.
Cardiovascular phenotype. Identifiers: MedGen CN230736.

Submissions (3):

Labcorp Genetics (formerly Invitae), Labcorp
Classification: Pathogenic for Arrhythmogenic right ventricular dysplasia 9. Last evaluated: 2025-11-26. Review status: criteria provided, single submitter. Criteria: Invitae Variant Classification Sherloc (09022015). Collection method: clinical testing. Allele origin: germline.
Comment: This sequence change creates a premature translational stop signal (p.Asn634Thrfs*22) in the PKP2 gene. It is expected to result in an absent or disrupted protein product. Loss-of-function variants in PKP2 are known to be pathogenic (PMID: 15489853, 17041889, 23911551). This variant is not present in population databases (gnomAD no frequency). This premature translational stop signal has been observed in individual(s) with arrhythmogenic right ventricular cardiomyopathy or sudden unexplained death (PMID: 27114410, 27532257). ClinVar contains an entry for this variant (Variation ID: 418411). For these reasons, this variant has been classified as Pathogenic.

GeneDx
Classification: Pathogenic. Last evaluated: 2022-08-23. Review status: criteria provided, single submitter. Criteria: GeneDx Variant Classification Process June 2021. Collection method: clinical testing. Allele origin: germline. Affected: yes.
Comment: Frameshift variant predicted to result in protein truncation or nonsense mediated decay in a gene for which loss-of-function is a known mechanism of disease; Not observed at significant frequency in large population cohorts (gnomAD); This variant is associated with the following publications: (PMID: 27114410, 27532257, 26582918, 27535533, 33087929)

Ambry Genetics
Classification: Pathogenic for Cardiovascular phenotype. Last evaluated: 2022-05-09. Review status: criteria provided, single submitter. Criteria: Ambry Variant Classification Scheme 2023. Collection method: clinical testing. Allele origin: germline.
Comment: The c.1901delA pathogenic mutation, located in coding exon 9 of the PKP2 gene, results from a deletion of one nucleotide at nucleotide position 1901, causing a translational frameshift with a predicted alternate stop codon (p.N634Tfs*22). This alteration has been detected in a sudden death case and in a cohort of patients referred for arrhythmogenic right ventricular cardiomyopathy genetic testing (Anderson JH et al. Circ Cardiovasc Genet, 2016 Jun;9:259-65; Walsh R et al. Genet. Med., 2017 02;19:192-203). This variant is considered to be rare based on population cohorts in the Genome Aggregation Database (gnomAD). In addition, this alteration is expected to result in loss of function by premature protein truncation or nonsense-mediated mRNA decay. As such, this alteration is interpreted as a disease-causing mutation.

Literature cited by the submitters: PubMed 15489853 (cited by Labcorp Genetics (formerly Invitae), Labcorp); PubMed 17041889 (cited by Labcorp Genetics (formerly Invitae), Labcorp); PubMed 23911551 (cited by Labcorp Genetics (formerly Invitae), Labcorp); PubMed 27114410 (cited by Labcorp Genetics (formerly Invitae), Labcorp and Ambry Genetics); PubMed 27532257 (cited by Labcorp Genetics (formerly Invitae), Labcorp and Ambry Genetics).

NM_001005242.3(PKP2):c.1769del (p.Asn590fs)

Gene: PKP2 (plakophilin 2; minus strand). Cytogenetic location: 12p11.21.
Variant type: Deletion.
Coding change: c.1769del on transcript NM_001005242.3 (MANE Select); coding-DNA position 1769, one base deleted (A; older notation c.1769delA).
Protein change: p.Asn590fs; shifts the reading frame from asparagine 590.
Molecular consequence: frameshift variant.
Genome position (GRCh38, 1-based): chr12:32,822,537, T deleted on the plus strand (A on the coding strand, the reverse complement: PKP2 is on the minus strand); the first of 4 consecutive T bases (chr12:32,822,537-32,822,540); deleting any one gives the same sequence. VCF-style (leftmost placement, unchanged base first): chr12-32822536-GT-G. GRCh37 (hg19) VCF-style: chr12-32975470-GT-G.
Other names: c.1901del, p.Asn634fs (NM_004572.4); c.1901delA (NM_004572.3); short protein forms N634fs, N590fs.
Identifiers: ClinVar variation 418411 (VCV000418411.13), dbSNP rs1064793231, ClinGen allele CA16619517.